The following is an entry in ClinVar:

NM_004946.3(DOCK2):c.3120T>A (p.Asp1040Glu)

Gene: DOCK2 (dedicator of cytokinesis 2; plus strand). Cytogenetic location: 5q35.1.
Variant type: single nucleotide variant.
Coding change: c.3120T>A on transcript NM_004946.3 (MANE Select); coding-DNA position 3120, T replaced by A.
Protein change: p.Asp1040Glu; replaces aspartic acid 1040 with glutamic acid.
Molecular consequence: missense variant. On other transcripts: non-coding transcript variant (1).
Genome position (GRCh38, 1-based): chr5:170,008,544, T>A. VCF-style: chr5-170008544-T-A. GRCh37 (hg19) VCF-style: chr5-169435548-T-A.
Other names: short protein forms D1040E.
Identifiers: ClinVar variation 3619935 (VCV003619935.2).

ClinVar aggregate classification (germline): Uncertain significance (1 of 4 stars; one submission).

Conditions:
DOCK2 deficiency. Also called: Immunodeficiency 40. Identifiers: Orphanet 447737, MedGen C4225328, MONDO:0014637, OMIM 616433.

gnomAD v4.1: 3 of 1,614,172 alleles (0.00019%); highest among the groups gnomAD compares: East Asian, 0.0045%; no homozygotes.

Submission:

Labcorp Genetics (formerly Invitae), Labcorp
Classification: Uncertain significance for DOCK2 deficiency. Last evaluated: 2024-08-12. Review status: criteria provided, single submitter. Criteria: Invitae Variant Classification Sherloc (09022015). Collection method: clinical testing. Allele origin: germline.
Comment: This sequence change replaces aspartic acid, which is acidic and polar, with glutamic acid, which is acidic and polar, at codon 1040 of the DOCK2 protein (p.Asp1040Glu). This variant is present in population databases (no rsID available, gnomAD 0.006%). This variant has not been reported in the literature in individuals affected with DOCK2-related conditions. An algorithm developed to predict the effect of missense changes on protein structure and function outputs the following: PolyPhen-2: "Benign". The glutamic acid amino acid residue is found in multiple mammalian species, which suggests that this missense change does not adversely affect protein function. In summary, the available evidence is currently insufficient to determine the role of this variant in disease. Therefore, it has been classified as a Variant of Uncertain Significance.